The following is an entry in ClinVar:

NM_004519.4(KCNQ3):c.1235G>T (p.Arg412Met)

Gene: KCNQ3 (potassium voltage-gated channel subfamily Q member 3; minus strand). Cytogenetic location: 8q24.22.
Variant type: single nucleotide variant.
Coding change: c.1235G>T on transcript NM_004519.4 (MANE Select); coding-DNA position 1235, G replaced by T.
Protein change: p.Arg412Met; replaces arginine 412 with methionine.
Molecular consequence: missense variant.
Genome position (GRCh38, 1-based): chr8:132,170,334, C>A on the plus strand (G>T on the coding strand, the complement: KCNQ3 is on the minus strand). VCF-style: chr8-132170334-C-A. GRCh37 (hg19) VCF-style: chr8-133182581-C-A.
Other names: c.875G>T, p.Arg292Met (NM_001204824.2); short protein forms R292M, R412M.
Identifiers: ClinVar variation 2095146 (VCV002095146.4), dbSNP rs2536933304, ClinGen allele CA372289585.

ClinVar aggregate classification (germline): Uncertain significance (1 of 4 stars; one submission).

Conditions:
Benign neonatal seizures. Also called: Benign neonatal familial convulsions; Benign familial neonatal seizures; Convulsions benign familial neonatal dominant form; Autosomal dominant form of benign neonatal seizures; Benign familial neonatal epilepsy. Identifiers: Orphanet 1949, MedGen C0220669, MONDO:0016027.

Submission:

Labcorp Genetics (formerly Invitae), Labcorp
Classification: Uncertain significance for Benign neonatal seizures. Last evaluated: 2022-02-10. Review status: criteria provided, single submitter. Criteria: Invitae Variant Classification Sherloc (09022015). Collection method: clinical testing. Allele origin: germline.
Comment: This sequence change replaces arginine, which is basic and polar, with methionine, which is neutral and non-polar, at codon 412 of the KCNQ3 protein (p.Arg412Met). This variant also falls at the last nucleotide of exon 8, which is part of the consensus splice site for this exon. This variant is not present in population databases (gnomAD no frequency). This variant has not been reported in the literature in individuals affected with KCNQ3-related conditions. Algorithms developed to predict the effect of missense changes on protein structure and function (SIFT, PolyPhen-2, Align-GVGD) all suggest that this variant is likely to be tolerated. Variants that disrupt the consensus splice site are a relatively common cause of aberrant splicing (PMID: 17576681, 9536098). In summary, the available evidence is currently insufficient to determine the role of this variant in disease. Therefore, it has been classified as a Variant of Uncertain Significance.

Literature cited by the submitters: PubMed 17576681; PubMed 9536098.